The following is an entry in ClinVar:

ClinVar aggregate classification (germline): Uncertain significance (1 of 4 stars; one submission).

Allele frequency attached by ClinVar (database versions not stated): gnomAD exomes below 0.00001; gnomAD 0.00001; TOPMed 0.00001.
gnomAD v4.1: 5 of 1,614,102 alleles (0.00031%); highest among the groups gnomAD compares: African/African-American, 0.004%; no homozygotes.

Submission:

Ambry Genetics
Classification: Uncertain significance. Last evaluated: 2021-11-30. Review status: criteria provided, single submitter. Criteria: Ambry Variant Classification Scheme 2023. Collection method: clinical testing. Allele origin: germline.
Comment: The p.A599T variant (also known as c.1795G>A), located in coding exon 3 of the ALPK2 gene, results from a G to A substitution at nucleotide position 1795. The alanine at codon 599 is replaced by threonine, an amino acid with similar properties. This amino acid position is conserved. In addition, this alteration is predicted to be tolerated by in silico analysis. Since supporting evidence is limited at this time, the clinical significance of this alteration remains unclear.

NM_052947.4(ALPK2):c.1795G>A (p.Ala599Thr)

Gene: ALPK2 (alpha kinase 2; minus strand). Cytogenetic location: 18q21.31.
Variant type: single nucleotide variant.
Coding change: c.1795G>A on transcript NM_052947.4 (MANE Select); coding-DNA position 1795, G replaced by A.
Protein change: p.Ala599Thr; replaces alanine 599 with threonine.
Molecular consequence: missense variant.
Genome position (GRCh38, 1-based): chr18:58,578,981, C>T on the plus strand (G>A on the coding strand, the complement: ALPK2 is on the minus strand). VCF-style: chr18-58578981-C-T. GRCh37 (hg19) VCF-style: chr18-56246213-C-T.
Other names: short protein forms A599T.
Identifiers: ClinVar variation 1780254 (VCV001780254.2), dbSNP rs1052632384, ClinGen allele CA300926976.
Genomic context (GRCh38, chr18:58,578,981, plus strand): 5'-TTGAAGTTTGAAGGGTTTTTGCTTCTTGCTCTGCCTGGGTTGAAATAGCACATTCTCTTG[C>T]ATCAGCATGGGAACTCCGACCAGTCGCTGCTGCTGTGGTGTGAGAAGTCTCTCTTTTATC-3'
Protein context (NP_443179.3, residues 589-609): AATGRSSHAD[Ala599Thr]RECAISTQAE